The following is an entry in ClinVar:

ClinVar aggregate classification (germline): Benign (1 of 4 stars; one submission).

Conditions:
Primary hypomagnesemia (HOMG3). Also called: HYPOMAGNESEMIA 3, RENAL; HYPOMAGNESEMIA, FAMILIAL, WITH HYPERCALCIURIA AND NEPHROCALCINOSIS; HYPOMAGNESEMIA, ISOLATED RENAL; HYPOMAGNESEMIA, PRIMARY, DUE TO DEFECT IN RENAL TUBULAR TRANSPORT OF MAGNESIUM. Identifiers: Orphanet 31043, MedGen C0268448, MONDO:0009550, OMIM 248250.

Allele frequency attached by ClinVar (database versions not stated): 1000 Genomes Project 0.01058; 1000 Genomes Project 30x 0.01124; TOPMed 0.01659; gnomAD 0.02097 and 0.02172.

Submission:

Illumina Laboratory Services, Illumina
Classification: Benign for Primary hypomagnesemia. Last evaluated: 2018-01-13. Review status: criteria provided, single submitter. Criteria: ICSL Variant Classification Criteria 13 December 2019. Collection method: clinical testing. Allele origin: germline.
Comment: This variant was observed in the ICSL laboratory as part of a predisposition screen in an ostensibly healthy population. It had not been previously curated by ICSL or reported in the Human Gene Mutation Database (HGMD: prior to June 1st, 2018), and was therefore a candidate for classification through an automated scoring system. Utilizing variant allele frequency, disease prevalence and penetrance estimates, and inheritance mode, an automated score was calculated to assess if this variant is too frequent to cause the disease. Based on the score and internal cut-off values, a variant classified as benign is not then subjected to further curation. The score for this variant resulted in a classification of benign for this disease.

NM_006580.4(CLDN16):c.*1833G>A

Gene: CLDN16 (claudin 16; plus strand). Cytogenetic location: 3q28.
Variant type: single nucleotide variant.
Coding change: c.*1833G>A on transcript NM_006580.4 (MANE Select); 1833 bases downstream of the stop codon, G replaced by A.
Molecular consequence: 3 prime UTR variant.
Genome position (GRCh38, 1-based): chr3:190,411,869, G>A. VCF-style: chr3-190411869-G-A. GRCh37 (hg19) VCF-style: chr3-190129658-G-A.
Other names: c.*1833G>A (NM_001378492.1, NM_001378493.1).
Identifiers: ClinVar variation 902389 (VCV000902389.4), dbSNP rs116119310, ClinGen allele CA89769031.